The following is an entry in ClinVar:

NM_015466.4(PTPN23):c.1676T>G (p.Ile559Ser)

Gene: PTPN23 (protein tyrosine phosphatase non-receptor type 23; plus strand). Cytogenetic location: 3p21.31.
Variant type: single nucleotide variant.
Coding change: c.1676T>G on transcript NM_015466.4 (MANE Select); coding-DNA position 1676, T replaced by G.
Protein change: p.Ile559Ser; replaces isoleucine 559 with serine.
Molecular consequence: missense variant.
Genome position (GRCh38, 1-based): chr3:47,409,196, T>G. VCF-style: chr3-47409196-T-G. GRCh37 (hg19) VCF-style: chr3-47450686-T-G.
Other names: c.1298T>G, p.Ile433Ser (NM_001304482.2); short protein forms I433S, I559S.
Identifiers: ClinVar variation 1525204 (VCV001525204.5), dbSNP rs762176529, ClinGen allele CA2365800.

ClinVar aggregate classification (germline): Uncertain significance (1 of 4 stars; one submission).

Allele frequency attached by ClinVar (database versions not stated): ExAC 0.00001; gnomAD 0.00001; gnomAD exomes 0.00001 and 0.00002.
gnomAD v4.1: 24 of 1,614,050 alleles (0.0015%); highest among the groups gnomAD compares: Non-Finnish European, 0.002%; no homozygotes.

Submission:

Labcorp Genetics (formerly Invitae), Labcorp
Classification: Uncertain significance. Last evaluated: 2022-08-16. Review status: criteria provided, single submitter. Criteria: Invitae Variant Classification Sherloc (09022015). Collection method: clinical testing. Allele origin: germline.
Comment: This sequence change replaces isoleucine, which is neutral and non-polar, with serine, which is neutral and polar, at codon 559 of the PTPN23 protein (p.Ile559Ser). This variant is present in population databases (rs762176529, gnomAD 0.003%). This variant has not been reported in the literature in individuals affected with PTPN23-related conditions. ClinVar contains an entry for this variant (Variation ID: 1525204). Algorithms developed to predict the effect of missense changes on protein structure and function are either unavailable or do not agree on the potential impact of this missense change (SIFT: "Deleterious"; PolyPhen-2: "Not Available"; Align-GVGD: "Class C0"). Algorithms developed to predict the effect of sequence changes on RNA splicing suggest that this variant may disrupt the consensus splice site. In summary, the available evidence is currently insufficient to determine the role of this variant in disease. Therefore, it has been classified as a Variant of Uncertain Significance.